The following is an entry in ClinVar:

NM_014014.5(SNRNP200):c.2457G>A (p.Val819=)

Gene: SNRNP200 (small nuclear ribonucleoprotein U5 subunit 200; minus strand). Cytogenetic location: 2q11.2.
Variant type: single nucleotide variant.
Coding change: c.2457G>A on transcript NM_014014.5 (MANE Select); coding-DNA position 2457, G replaced by A.
Protein change: p.Val819=; no amino-acid change (valine 819 retained).
Molecular consequence: synonymous variant.
Genome position (GRCh38, 1-based): chr2:96,290,780, C>T on the plus strand (G>A on the coding strand, the complement: SNRNP200 is on the minus strand). VCF-style: chr2-96290780-C-T. GRCh37 (hg19) VCF-style: chr2-96956518-C-T.
Other names: c.2457G>A (NM_014014.4).
Identifiers: ClinVar variation 1165159 (VCV001165159.13), dbSNP rs778673233, ClinGen allele CA1778687.

ClinVar aggregate classification (germline): Benign/Likely benign. Review status: criteria provided, multiple submitters, no conflicts (2 of 4 stars). 3 submissions from 3 submitters: Benign (1); Likely benign (1). 1 of the submissions does not count toward it. Last evaluated 2024-11-14.

Conditions:
SNRNP200-related disorder. Also called: SNRNP200-related condition.

Allele frequency attached by ClinVar (database versions not stated): gnomAD 0.00001; gnomAD exomes 0.00002 and 0.00009; TOPMed 0.00004; ExAC 0.00009.

Submissions (3):

Blueprint Genetics
Classification: Likely benign. Last evaluated: 2024-11-14. Review status: criteria provided, single submitter. Criteria: ACMG Guidelines, 2015. Collection method: clinical testing. Allele origin: germline.

Labcorp Genetics (formerly Invitae), Labcorp
Classification: Benign. Last evaluated: 2023-10-13. Review status: criteria provided, single submitter. Criteria: Invitae Variant Classification Sherloc (09022015). Collection method: clinical testing. Allele origin: germline.

PreventionGenetics, part of Exact Sciences
Classification: Likely benign for SNRNP200-related condition. Last evaluated: 2019-05-28. Review status: no assertion criteria provided. Collection method: clinical testing. Allele origin: germline. Not counted in ClinVar's aggregate classification.
Comment: This variant is classified as likely benign based on ACMG/AMP sequence variant interpretation guidelines (Richards et al. 2015 PMID: 25741868, with internal and published modifications).